The following is an entry in ClinVar:

NM_001184900.3(CARD8):c.382C>T (p.Gln128Ter)

Gene: CARD8 (caspase recruitment domain family member 8; minus strand). Cytogenetic location: 19q13.33.
Variant type: single nucleotide variant.
Coding change: c.382C>T on transcript NM_001184900.3 (MANE Select); coding-DNA position 382, C replaced by T.
Protein change: p.Gln128Ter; replaces glutamine 128 with a stop codon.
Molecular consequence: nonsense. On other transcripts: intron variant (6).
Genome position (GRCh38, 1-based): chr19:48,232,462, G>A on the plus strand (C>T on the coding strand, the complement: CARD8 is on the minus strand). VCF-style: chr19-48232462-G-A. GRCh37 (hg19) VCF-style: chr19-48735719-G-A.
Other names: c.232C>T, p.Gln78Ter (NM_001184901.1, NM_001351783.2, NM_001351788.2 and 2 more transcripts); c.382C>T, p.Gln128Ter (NM_001184902.2, NM_001184903.1, NM_001351782.2); c.46C>T, p.Gln16Ter (NM_001351786.2); c.77-652C>T (NM_001351787.2, NM_001351791.2, NM_001351792.2 and 2 more transcripts); c.149-652C>T (NM_001351790.2); short protein forms Q16*, Q128*, Q78*.
Identifiers: ClinVar variation 1417193 (VCV001417193.6), dbSNP rs771293789, ClinGen allele CA9548058.

ClinVar aggregate classification (germline): Uncertain significance (1 of 4 stars; one submission).

Allele frequency attached by ClinVar (database versions not stated): TOPMed below 0.00001; gnomAD exomes 0.00001; ExAC 0.00007.

Submission:

Labcorp Genetics (formerly Invitae), Labcorp
Classification: Uncertain significance. Last evaluated: 2025-02-27. Review status: criteria provided, single submitter. Criteria: Invitae Variant Classification Sherloc (09022015). Collection method: clinical testing. Allele origin: germline.
Comment: This sequence change creates a premature translational stop signal (p.Gln78*) in the CARD8 gene. It is expected to result in an absent or disrupted protein product. However, the current clinical and genetic evidence is not sufficient to establish whether loss-of-function variants in CARD8 cause disease. This variant is present in population databases (rs771293789, gnomAD 0.002%). This variant has not been reported in the literature in individuals affected with CARD8-related conditions. ClinVar contains an entry for this variant (Variation ID: 1417193). Algorithms developed to predict the effect of sequence changes on RNA splicing suggest that this variant may disrupt the consensus splice site. In summary, the available evidence is currently insufficient to determine the role of this variant in disease. Therefore, it has been classified as a Variant of Uncertain Significance.